The following is an entry in ClinVar:

ClinVar aggregate classification (germline): Benign/Likely benign. Review status: criteria provided, multiple submitters, no conflicts (2 of 4 stars). 5 submissions from 5 submitters: Benign (1); Likely benign (3). 1 of the submissions does not count toward it. Last evaluated 2025-11-05.

Conditions:
Hereditary nonpolyposis colorectal neoplasms. Identifiers: MedGen C0009405, MeSH D003123.
Hereditary cancer-predisposing syndrome. Also called: Tumor predisposition; Hereditary neoplastic syndrome; Neoplastic Syndromes, Hereditary; Hereditary Cancer Syndrome. Identifiers: Orphanet 140162, MedGen C0027672, MeSH D009386, MONDO:0015356.
Lynch syndrome. Identifiers: Orphanet 144, MedGen C4552100, MONDO:0005835. Disease mechanism: loss of function.
Lynch syndrome 5 (LYNCH5). Also called: Colorectal cancer, hereditary nonpolyposis, type 5; Hereditary non-polyposis colorectal cancer, type 5. Identifiers: Orphanet 144, MedGen C1833477, MONDO:0013710, OMIM 614350. Disease mechanism: loss of function.

Submissions (5):

Labcorp Genetics (formerly Invitae), Labcorp
Classification: Benign for Hereditary nonpolyposis colorectal neoplasms. Last evaluated: 2025-11-05. Review status: criteria provided, single submitter. Criteria: Invitae Variant Classification Sherloc (09022015). Collection method: clinical testing. Allele origin: germline.

All of Us Research Program, National Institutes of Health
Classification: Likely benign for Lynch syndrome. Last evaluated: 2023-06-08. Review status: criteria provided, single submitter. Criteria: ACMG Guidelines, 2015. Collection method: clinical testing. Allele origin: germline. Inheritance: Autosomal dominant inheritance. Observed: 1 variant allele, 1 heterozygote.
Comment: This study involves interpretation of variants in research participants for the purpose of population health screening. Participant phenotype was not available at the time of variant classification. Additional details can be found in publication PMID: 35346344, PMCID: PMC8962531

Myriad Genetics, Inc.
Classification: Likely benign for Lynch syndrome 5. Last evaluated: 2023-03-27. Review status: criteria provided, single submitter. Criteria: Myriad Autosomal Dominant, Autosomal Recessive and X-Linked Classification Criteria (2023). Collection method: clinical testing. Allele origin: unknown.
Comment: This variant is considered likely benign. This variant is intronic and is not expected to impact mRNA splicing.

Color Diagnostics, LLC DBA Color Health
Classification: Likely benign for Hereditary cancer-predisposing syndrome. Last evaluated: 2019-03-05. Review status: criteria provided, single submitter. Criteria: ACMG Guidelines, 2015. Collection method: clinical testing. Allele origin: germline.

Counsyl
Classification: Likely benign for Lynch syndrome 5. Last evaluated: 2016-11-14. Review status: no assertion criteria provided. Collection method: clinical testing. Allele origin: unknown. Not counted in ClinVar's aggregate classification.

NM_000179.3(MSH6):c.3647-11dup

Gene: MSH6 (mutS homolog 6; plus strand). Cytogenetic location: 2p16.3.
Variant type: Duplication.
Coding change: c.3647-11dup on transcript NM_000179.3 (MANE Select); 11 bases into the intron before coding-DNA position 3647, one base duplicated (T; older notation c.3647-11dupT).
Molecular consequence: intron variant.
Genome position (GRCh38, 1-based): chr2:47,806,193, T duplicated; the last of 4 consecutive T bases (chr2:47,806,190-47,806,193); duplicating any one gives the same sequence. VCF-style (leftmost placement, unchanged base first): chr2-47806189-A-AT. GRCh37 (hg19) VCF-style: chr2-48033328-A-AT.
Other names: c.2741-11dup (NM_001281493.2, NM_001281494.2); c.3257-11dup (NM_001281492.2); c.3647-11dupT (NM_000179.2).
Identifiers: ClinVar variation 372076 (VCV000372076.18), dbSNP rs774223571, ClinGen allele CA071709.